The following is an entry in ClinVar:

NM_003114.5(SPAG1):c.1454A>T (p.Asp485Val)

Gene: SPAG1 (sperm associated antigen 1; plus strand). Cytogenetic location: 8q22.2.
Variant type: single nucleotide variant.
Coding change: c.1454A>T on transcript NM_003114.5 (MANE Select); coding-DNA position 1454, A replaced by T.
Protein change: p.Asp485Val; replaces aspartic acid 485 with valine.
Molecular consequence: missense variant.
Genome position (GRCh38, 1-based): chr8:100,213,837, A>T. VCF-style: chr8-100213837-A-T. GRCh37 (hg19) VCF-style: chr8-101226065-A-T.
Other names: c.1454A>T, p.Asp485Val (NM_001374321.1, NM_172218.3); short protein forms D485V.
Identifiers: ClinVar variation 4753084 (VCV004753084.1).

ClinVar aggregate classification (germline): Uncertain significance (1 of 4 stars; one submission).

Conditions:
Primary ciliary dyskinesia 28. Also called: CILIARY DYSKINESIA, PRIMARY, 28, WITH OR WITHOUT SITUS INVERSUS. Identifiers: Orphanet 244, MedGen C3809706, MONDO:0014216, OMIM 615505.

Submission:

Labcorp Genetics (formerly Invitae), Labcorp
Classification: Uncertain significance for Primary ciliary dyskinesia 28. Last evaluated: 2025-05-07. Review status: criteria provided, single submitter. Criteria: Invitae Variant Classification Sherloc (09022015). Collection method: clinical testing. Allele origin: germline.
Comment: This sequence change replaces aspartic acid, which is acidic and polar, with valine, which is neutral and non-polar, at codon 485 of the SPAG1 protein (p.Asp485Val). This variant is not present in population databases (gnomAD no frequency). This variant has not been reported in the literature in individuals affected with SPAG1-related conditions. Invitae Evidence Modeling of protein sequence and biophysical properties (such as structural, functional, and spatial information, amino acid conservation, physicochemical variation, residue mobility, and thermodynamic stability) indicates that this missense variant is not expected to disrupt SPAG1 protein function with a negative predictive value of 80%. In summary, the available evidence is currently insufficient to determine the role of this variant in disease. Therefore, it has been classified as a Variant of Uncertain Significance.